The following is an entry in ClinVar:

NM_000143.4(FH):c.1391-19C>G

Gene: FH (fumarate hydratase; minus strand). Cytogenetic location: 1q43.
Variant type: single nucleotide variant.
Coding change: c.1391-19C>G on transcript NM_000143.4 (MANE Select); 19 bases into the intron before coding-DNA position 1391, C replaced by G.
Molecular consequence: intron variant.
Genome position (GRCh38, 1-based): chr1:241,497,989, G>C on the plus strand (C>G on the coding strand, the complement: FH is on the minus strand). VCF-style: chr1-241497989-G-C. GRCh37 (hg19) VCF-style: chr1-241661289-G-C.
Identifiers: ClinVar variation 1802795 (VCV001802795.6), dbSNP rs750363222, ClinGen allele CA2580063443.

ClinVar aggregate classification (germline): Conflicting classifications of pathogenicity. Review status: criteria provided, conflicting classifications (1 of 4 stars). 2 submissions from 2 submitters: Uncertain significance (1); Likely benign (1). Last evaluated 2025-06-30.

Conditions:
Hereditary leiomyomatosis and renal cell cancer. Also called: MULTIPLE CUTANEOUS AND UTERINE LEIOMYOMATA 1, WITH OR WITHOUT RENAL CELL CARCINOMA; Reed syndrome; Multiple cutaneous and uterine leiomyomatosis; Cutaneous leiomyomata with uterine leiomyomata; Leiomyoma, hereditary multiple, of skin; Multiple cutaneous and uterine leiomyomata. Identifiers: Orphanet 523, MedGen C1708350, MONDO:0007888, OMIM 150800, HP:0007437. Disease mechanism: loss of function.

Submissions (2):

Hema, HEMA – Genetic and Molecular Diagnostic Laboratory
Classification: Uncertain significance for Hereditary leiomyomatosis and renal cell cancer. Last evaluated: 2025-06-30. Review status: criteria provided, single submitter. Criteria: HEMA Variant Classification Assertion Criteria. Collection method: clinical testing. Allele origin: germline.
Comment: It is a transversion from guanine to cytosine at position -19 of intron 9 of the FH gene. PM2_Supporting: Absent in the gnomAD v4.1.0 database. BP4: According to the splicing predictor SpliceAI, the variant does not affect splicing (Δ score = 0.0 ≤ 0.1).

Center for Genomic Medicine, Rigshospitalet, Copenhagen University Hospital
Classification: Likely benign. Last evaluated: 2025-03-04. Review status: criteria provided, single submitter. Criteria: ACMG Guidelines, 2015. Collection method: clinical testing. Allele origin: germline.